The following is an entry in ClinVar:

ClinVar aggregate classification (germline): Pathogenic (1 of 4 stars; one submission).

Conditions:
Peroxisome biogenesis disorder. Identifiers: Orphanet 79189, MedGen C1832200, MONDO:0019234. Disease mechanism: loss of function.

Submission:

Myriad Genetics, Inc.
Classification: Pathogenic for Peroxisome biogenesis disorder. Last evaluated: 2026-08-18. Review status: criteria provided, single submitter. Criteria: Myriad Autosomal Dominant, Autosomal Recessive and X-Linked Classification Criteria (2023). Collection method: clinical testing. Allele origin: unknown.
Comment: NM_000288.3(PEX7):c.91delC(R31Afs*19) is expected to be pathogenic in the context of PEX7-related disorders. This variant is predicted to lead to an abnormal or absent protein product due to the creation of a premature termination codon in PEX7, a gene where loss-of-function variants are known to be pathogenic. Please note: this variant was assessed in the context of healthy population screening.

NM_000288.4(PEX7):c.91del (p.Arg31fs)

Gene: PEX7 (peroxisomal biogenesis factor 7; plus strand). Cytogenetic location: 6q23.3.
Variant type: Deletion.
Coding change: c.91del on transcript NM_000288.4 (MANE Select); coding-DNA position 91, one base deleted (C; older notation c.91delC).
Protein change: p.Arg31fs; shifts the reading frame from arginine 31.
Molecular consequence: frameshift variant.
Genome position (GRCh38, 1-based): chr6:136,822,756, C deleted; the last of 2 consecutive C bases (chr6:136,822,755-136,822,756); deleting either gives the same sequence. VCF-style (leftmost placement, unchanged base first): chr6-136822754-GC-G. GRCh37 (hg19) VCF-style: chr6-137143892-GC-G.
Other names: short protein forms R31fs.
Identifiers: ClinVar variation 5016247 (VCV005016247.1).